The following is an entry in ClinVar:

NM_138713.4(NFAT5):c.1768A>G (p.Met590Val)

Gene: NFAT5 (nuclear factor of activated T cells 5; plus strand). Cytogenetic location: 16q22.1.
Variant type: single nucleotide variant.
Coding change: c.1768A>G on transcript NM_138713.4 (MANE Select); coding-DNA position 1768, A replaced by G.
Protein change: p.Met590Val; replaces methionine 590 with valine.
Molecular consequence: missense variant.
Genome position (GRCh38, 1-based): chr16:69,684,964, A>G. VCF-style: chr16-69684964-A-G. GRCh37 (hg19) VCF-style: chr16-69718867-A-G.
Other names: c.1765A>G, p.Met589Val (NM_001113178.3); c.1093A>G, p.Met365Val (NM_001367709.1); c.1714A>G, p.Met572Val (NM_006599.4); c.1486A>G, p.Met496Val (NM_138714.4, NM_173214.3, NM_173215.3); short protein forms M572V, M590V, M365V, M589V, M496V.
Identifiers: ClinVar variation 1941164 (VCV001941164.5), dbSNP rs1273292190, ClinGen allele CA396502411.

ClinVar aggregate classification (germline): Uncertain significance (1 of 4 stars; one submission).

Conditions:
Immunodeficiency. Identifiers: MedGen C0021051, MONDO:0021094, HP:0002721.

Allele frequency attached by ClinVar (database versions not stated): gnomAD 0.00001.
gnomAD v4.1: 6 of 1,608,372 alleles (0.00037%); highest among the groups gnomAD compares: African/African-American, 0.0013%; no homozygotes.

Submission:

Labcorp Genetics (formerly Invitae), Labcorp
Classification: Uncertain significance for Immunodeficiency. Last evaluated: 2022-06-24. Review status: criteria provided, single submitter. Criteria: Invitae Variant Classification Sherloc (09022015). Collection method: clinical testing. Allele origin: germline.
Comment: In summary, the available evidence is currently insufficient to determine the role of this variant in disease. Therefore, it has been classified as a Variant of Uncertain Significance. Algorithms developed to predict the effect of missense changes on protein structure and function (SIFT, PolyPhen-2, Align-GVGD) all suggest that this variant is likely to be tolerated. This variant has not been reported in the literature in individuals affected with NFAT5-related conditions. This variant is present in population databases (no rsID available, gnomAD 0.01%). This sequence change replaces methionine, which is neutral and non-polar, with valine, which is neutral and non-polar, at codon 496 of the NFAT5 protein (p.Met496Val).